The following is an entry in ClinVar:

NM_052947.4(ALPK2):c.5605G>C (p.Ala1869Pro)

Gene: ALPK2 (alpha kinase 2; minus strand). Cytogenetic location: 18q21.31.
Variant type: single nucleotide variant.
Coding change: c.5605G>C on transcript NM_052947.4 (MANE Select); coding-DNA position 5605, G replaced by C.
Protein change: p.Ala1869Pro; replaces alanine 1869 with proline.
Molecular consequence: missense variant.
Genome position (GRCh38, 1-based): chr18:58,523,959, C>G on the plus strand (G>C on the coding strand, the complement: ALPK2 is on the minus strand). VCF-style: chr18-58523959-C-G. GRCh37 (hg19) VCF-style: chr18-56191191-C-G.
Other names: short protein forms A1869P.
Identifiers: ClinVar variation 2564095 (VCV002564095.2), dbSNP rs2518866795, ClinGen allele CA402551021.

ClinVar aggregate classification (germline): Uncertain significance (1 of 4 stars; one submission).

Submission:

Ambry Genetics
Classification: Uncertain significance. Last evaluated: 2023-05-28. Review status: criteria provided, single submitter. Criteria: Ambry Variant Classification Scheme 2023. Collection method: clinical testing. Allele origin: germline.
Comment: The p.A1869P variant (also known as c.5605G>C), located in coding exon 6 of the ALPK2 gene, results from a G to C substitution at nucleotide position 5605. The alanine at codon 1869 is replaced by proline, an amino acid with highly similar properties. This amino acid position is conserved. In addition, the in silico prediction for this alteration is inconclusive. Since supporting evidence is limited at this time, the clinical significance of this alteration remains unclear.